The following is an entry in ClinVar:

NM_018109.4(MTPAP):c.1714del (p.Thr572fs)

Gene: MTPAP (mitochondrial poly(A) polymerase; minus strand). Cytogenetic location: 10p11.23.
Variant type: Deletion.
Coding change: c.1714del on transcript NM_018109.4 (MANE Select); coding-DNA position 1714, one base deleted (A; older notation c.1714delA).
Protein change: p.Thr572fs; shifts the reading frame from threonine 572.
Molecular consequence: frameshift variant.
Genome position (GRCh38, 1-based): chr10:30,313,644, T deleted on the plus strand (A on the coding strand, the reverse complement: MTPAP is on the minus strand); the first of 5 consecutive T bases (chr10:30,313,644-30,313,648); deleting any one gives the same sequence. VCF-style (leftmost placement, unchanged base first): chr10-30313643-GT-G. GRCh37 (hg19) VCF-style: chr10-30602572-GT-G.
Other names: short protein forms T572fs.
Identifiers: ClinVar variation 4074599 (VCV004074599.1).

ClinVar aggregate classification (germline): Uncertain significance (1 of 4 stars; one submission).

Submission:

GeneDx
Classification: Uncertain significance. Last evaluated: 2025-02-04. Review status: criteria provided, single submitter. Criteria: GeneDx Variant Classification Process June 2021. Collection method: clinical testing. Allele origin: germline. Affected: yes.
Comment: Frameshift variant predicted to result in abnormal protein length as the last 11 amino acid(s) are replaced with 17 different amino acid(s); Not observed at significant frequency in large population cohorts (gnomAD); Has not been previously published as pathogenic or benign to our knowledge